The following is an entry in ClinVar:

ClinVar aggregate classification (germline): Uncertain significance. Review status: criteria provided, multiple submitters, no conflicts (2 of 4 stars). 2 submissions from 2 submitters: Uncertain significance (2). Last evaluated 2019-11-14.

Conditions:
Tibial muscular dystrophy (TMD). Also called: UDD MYOPATHY; Udd Distal Myopathy – Tibial Muscular Dystrophy; Tibial muscular dystrophy, tardive. Identifiers: Orphanet 609, MedGen C1838244, MONDO:0010870, OMIM 600334.

Submissions (2):

Revvity Omics, Revvity
Classification: Uncertain significance. Last evaluated: 2019-11-14. Review status: criteria provided, single submitter. Criteria: ACMG Guidelines, 2015. Collection method: clinical testing. Allele origin: germline.

Baylor Genetics
Classification: Uncertain significance for Tibial muscular dystrophy. Last evaluated: 2019-08-23. Review status: criteria provided, single submitter. Criteria: ACMG Guidelines, 2015. Collection method: clinical testing. Allele origin: unknown. Affected: yes.
Comment: This variant was determined to be of uncertain significance according to ACMG Guidelines, 2015 [PMID:25741868].

NM_001267550.2(TTN):c.48073A>T (p.Ser16025Cys)

Genes: TTN (titin; minus strand), TTN-AS1 (TTN antisense RNA 1; plus strand). Cytogenetic location: 2q31.2.
Variant type: single nucleotide variant.
Coding change: c.48073A>T on transcript NM_001267550.2 (MANE Select); coding-DNA position 48073, A replaced by T.
Protein change: p.Ser16025Cys; replaces serine 16025 with cysteine.
Molecular consequence: missense variant.
Genome position (GRCh38, 1-based): chr2:178,616,816, T>A on the plus strand (A>T on the coding strand, the complement: TTN is on the minus strand). VCF-style: chr2-178616816-T-A. GRCh37 (hg19) VCF-style: chr2-179481543-T-A.
Other names: c.43150A>T, p.Ser14384Cys (NM_001256850.1); c.20878A>T, p.Ser6960Cys (NM_003319.4); c.40369A>T, p.Ser13457Cys (NM_133378.4); c.21253A>T, p.Ser7085Cys (NM_133432.3); c.21454A>T, p.Ser7152Cys (NM_133437.4); short protein forms S6960C, S13457C, S14384C, S16025C, S7085C, S7152C.
Identifiers: ClinVar variation 1031091 (VCV001031091.4), dbSNP rs1185643168, ClinGen allele CA349612186.